The following is an entry in ClinVar:

ClinVar aggregate classification (germline): Uncertain significance (1 of 4 stars; one submission).

Allele frequency attached by ClinVar (database versions not stated): gnomAD exomes below 0.00001; ExAC 0.00001.
gnomAD v4.1: 1 of 1,614,152 alleles (0.000062%); highest among the groups gnomAD compares: Non-Finnish European, 0.000085%; no homozygotes.

Submission:

Labcorp Genetics (formerly Invitae), Labcorp
Classification: Uncertain significance. Last evaluated: 2022-10-13. Review status: criteria provided, single submitter. Criteria: Invitae Variant Classification Sherloc (09022015). Collection method: clinical testing. Allele origin: germline.
Comment: This sequence change replaces serine, which is neutral and polar, with cysteine, which is neutral and slightly polar, at codon 4436 of the USH2A protein (p.Ser4436Cys). In summary, the available evidence is currently insufficient to determine the role of this variant in disease. Therefore, it has been classified as a Variant of Uncertain Significance. Advanced modeling of protein sequence and biophysical properties (such as structural, functional, and spatial information, amino acid conservation, physicochemical variation, residue mobility, and thermodynamic stability) performed at Invitae indicates that this missense variant is not expected to disrupt USH2A protein function. ClinVar contains an entry for this variant (Variation ID: 1481728). This variant has not been reported in the literature in individuals affected with USH2A-related conditions. This variant is present in population databases (rs751208743, gnomAD 0.0009%).

NM_206933.4(USH2A):c.13307C>G (p.Ser4436Cys)

Gene: USH2A (usherin; minus strand). Cytogenetic location: 1q41.
Variant type: single nucleotide variant.
Coding change: c.13307C>G on transcript NM_206933.4 (MANE Select); coding-DNA position 13307, C replaced by G.
Protein change: p.Ser4436Cys; replaces serine 4436 with cysteine.
Molecular consequence: missense variant.
Genome position (GRCh38, 1-based): chr1:215,674,604, G>C on the plus strand (C>G on the coding strand, the complement: USH2A is on the minus strand). VCF-style: chr1-215674604-G-C. GRCh37 (hg19) VCF-style: chr1-215847946-G-C.
Other names: short protein forms S4436C.
Identifiers: ClinVar variation 1481728 (VCV001481728.6), dbSNP rs751208743, ClinGen allele CA1393318.